The following is an entry in ClinVar:

NM_001364905.1(LRBA):c.913G>A (p.Val305Ile)

Gene: LRBA (LPS responsive beige-like anchor protein; minus strand). Cytogenetic location: 4q31.3.
Variant type: single nucleotide variant.
Coding change: c.913G>A on transcript NM_001364905.1 (MANE Select); coding-DNA position 913, G replaced by A.
Protein change: p.Val305Ile; replaces valine 305 with isoleucine.
Molecular consequence: missense variant.
Genome position (GRCh38, 1-based): chr4:150,915,709, C>T on the plus strand (G>A on the coding strand, the complement: LRBA is on the minus strand). VCF-style: chr4-150915709-C-T. GRCh37 (hg19) VCF-style: chr4-151836861-C-T.
Other names: c.913G>A, p.Val305Ile (NM_001199282.3, NM_001367550.1, NM_006726.5); short protein forms V305I.
Identifiers: ClinVar variation 579119 (VCV000579119.3), dbSNP rs141193241, ClinGen allele CA3103716.

ClinVar aggregate classification (germline): Uncertain significance (1 of 4 stars; one submission).

Conditions:
Combined immunodeficiency due to LRBA deficiency. Also called: Common variable immunodeficiency 8, with autoimmunity. Identifiers: Orphanet 445018, MedGen C3553512, MONDO:0013863, OMIM 614700.

Allele frequency attached by ClinVar (database versions not stated): gnomAD exomes below 0.00001 and 0.00002; TOPMed 0.00001; ExAC 0.00002; ESP Exome Variant Server 0.00015.
gnomAD v4.1: 32 of 1,608,362 alleles (0.002%); highest among the groups gnomAD compares: Non-Finnish European, 0.0026%; no homozygotes.

Submission:

Labcorp Genetics (formerly Invitae), Labcorp
Classification: Uncertain significance for Combined immunodeficiency due to LRBA deficiency. Last evaluated: 2022-05-08. Review status: criteria provided, single submitter. Criteria: Invitae Variant Classification Sherloc (09022015). Collection method: clinical testing. Allele origin: germline.
Comment: This sequence change replaces valine, which is neutral and non-polar, with isoleucine, which is neutral and non-polar, at codon 305 of the LRBA protein (p.Val305Ile). This variant is present in population databases (rs141193241, gnomAD 0.002%). This variant has not been reported in the literature in individuals affected with LRBA-related conditions. ClinVar contains an entry for this variant (Variation ID: 579119). Algorithms developed to predict the effect of missense changes on protein structure and function are either unavailable or do not agree on the potential impact of this missense change (SIFT: "Tolerated"; PolyPhen-2: "Probably Damaging"; Align-GVGD: "Class C0"). In summary, the available evidence is currently insufficient to determine the role of this variant in disease. Therefore, it has been classified as a Variant of Uncertain Significance.